The following is an entry in ClinVar:

NM_001040716.2(PC):c.3328G>A (p.Gly1110Ser)

Gene: PC (pyruvate carboxylase; minus strand). Cytogenetic location: 11q13.2.
Variant type: single nucleotide variant.
Coding change: c.3328G>A on transcript NM_001040716.2 (MANE Select); coding-DNA position 3328, G replaced by A.
Protein change: p.Gly1110Ser; replaces glycine 1110 with serine.
Molecular consequence: missense variant.
Genome position (GRCh38, 1-based): chr11:66,849,108, C>T on the plus strand (G>A on the coding strand, the complement: PC is on the minus strand). VCF-style: chr11-66849108-C-T. GRCh37 (hg19) VCF-style: chr11-66616579-C-T.
Other names: c.3328G>A, p.Gly1110Ser (NM_000920.4, NM_022172.3); short protein forms G1110S.
Identifiers: ClinVar variation 2663212 (VCV002663212.2), dbSNP rs764717082, ClinGen allele CA6130817.
Genomic context (GRCh38, chr11:66,849,108, plus strand): 5'-TGGCCCCTGCCACCACTTTGATGTCTATCACCTTCCCAGGCATGGGCGCCCCGATCTGGC[C>T]CTTCACGTCCTTTAGGGCCTTGGGGTGGAAGTGCATCTCCTGAAGACACAGGGCAGAGGG-3'
Protein context (NP_001035806.1, residues 1100-1120): FHPKALKDVK[Gly1110Ser]QIGAPMPGKV

ClinVar aggregate classification (germline): Uncertain significance. Review status: criteria provided, multiple submitters, no conflicts (2 of 4 stars). 2 submissions from 2 submitters: Uncertain significance (2). Last evaluated 2024-11-21.

Conditions:
Inborn genetic diseases. Identifiers: MedGen C0950123, MeSH D030342.

Allele frequency attached by ClinVar (database versions not stated): gnomAD exomes below 0.00001; ExAC 0.00001.
gnomAD v4.1: 5 of 1,614,098 alleles (0.00031%); highest among the groups gnomAD compares: East Asian, 0.0022%; no homozygotes.

Submissions (2):

Ambry Genetics
Classification: Uncertain significance for Inborn genetic diseases. Last evaluated: 2024-11-21. Review status: criteria provided, single submitter. Criteria: Ambry Variant Classification Scheme 2023. Collection method: clinical testing. Allele origin: germline.

GeneDx
Classification: Uncertain significance. Last evaluated: 2023-05-06. Review status: criteria provided, single submitter. Criteria: GeneDx Variant Classification Process June 2021. Collection method: clinical testing. Allele origin: germline. Affected: yes.
Comment: Not observed at significant frequency in large population cohorts (gnomAD); In silico analysis supports that this missense variant has a deleterious effect on protein structure/function; Has not been previously published as pathogenic or benign to our knowledge